The following is an entry in ClinVar:

ClinVar aggregate classification (germline): Uncertain significance (1 of 4 stars; one submission).

Allele frequency attached by ClinVar (database versions not stated): gnomAD 0.00001 and 0.00002; TOPMed 0.00002; ExAC 0.00007.
gnomAD v4.1: 27 of 1,556,648 alleles (0.0017%); highest among the groups gnomAD compares: South Asian, 0.018%; no homozygotes.

Submission:

Labcorp Genetics (formerly Invitae), Labcorp
Classification: Uncertain significance. Last evaluated: 2025-01-06. Review status: criteria provided, single submitter. Criteria: Invitae Variant Classification Sherloc (09022015). Collection method: clinical testing. Allele origin: germline.
Comment: This sequence change replaces alanine, which is neutral and non-polar, with threonine, which is neutral and polar, at codon 777 of the TONSL protein (p.Ala777Thr). The frequency data for this variant in the population databases is considered unreliable, as metrics indicate poor data quality at this position in the gnomAD database. This variant has not been reported in the literature in individuals affected with TONSL-related conditions. ClinVar contains an entry for this variant (Variation ID: 1445840). Invitae Evidence Modeling of protein sequence and biophysical properties (such as structural, functional, and spatial information, amino acid conservation, physicochemical variation, residue mobility, and thermodynamic stability) indicates that this missense variant is not expected to disrupt TONSL protein function with a negative predictive value of 80%. In summary, the available evidence is currently insufficient to determine the role of this variant in disease. Therefore, it has been classified as a Variant of Uncertain Significance.

NM_013432.5(TONSL):c.2329G>A (p.Ala777Thr)

Genes: TONSL (tonsoku like, DNA repair protein; minus strand), TONSL-AS1 (TONSL antisense RNA 1; plus strand). Cytogenetic location: 8q24.3.
Variant type: single nucleotide variant.
Coding change: c.2329G>A on transcript NM_013432.5 (MANE Select); coding-DNA position 2329, G replaced by A.
Protein change: p.Ala777Thr; replaces alanine 777 with threonine.
Molecular consequence: missense variant.
Genome position (GRCh38, 1-based): chr8:144,436,104, C>T on the plus strand (G>A on the coding strand, the complement: TONSL is on the minus strand). VCF-style: chr8-144436104-C-T. GRCh37 (hg19) VCF-style: chr8-145661487-C-T.
Other names: short protein forms A777T.
Identifiers: ClinVar variation 1445840 (VCV001445840.5), dbSNP rs780463995, ClinGen allele CA4942854.
Genomic context (GRCh38, chr8:144,436,104, plus strand): 5'-GGATGGCTGCCTGGTAGGCTGCCCGGCTGGTGCTGGCTGTGGCTGCTTCCCTGTTGCTGG[C>T]GGGGCCAGGCGTCCAGGCTGCCACCCGTTGTGCTGTGGCCGAGCACCGAGGCCTCTTCTG-3'
Protein context (NP_038460.4, residues 767-787): QRVAAWTPGP[Ala777Thr]SNREAATAST